The following is an entry in ClinVar:

ClinVar aggregate classification (germline): Uncertain significance (1 of 4 stars; one submission).

Submission:

GeneDx
Classification: Uncertain significance. Last evaluated: 2023-10-22. Review status: criteria provided, single submitter. Criteria: GeneDx Variant Classification Process June 2021. Collection method: clinical testing. Allele origin: germline. Affected: yes.
Comment: Not observed at significant frequency in large population cohorts (gnomAD); In silico analysis supports that this missense variant does not alter protein structure/function; Has not been previously published as pathogenic or benign to our knowledge; Variants in candidate genes are classified as variants of uncertain significance in accordance with ACMG guidelines (Richards et al., 2015)

NM_012308.3(KDM2A):c.1120G>A (p.Asp374Asn)

Gene: KDM2A (lysine demethylase 2A; plus strand). Cytogenetic location: 11q13.2.
Variant type: single nucleotide variant.
Coding change: c.1120G>A on transcript NM_012308.3 (MANE Select); coding-DNA position 1120, G replaced by A.
Protein change: p.Asp374Asn; replaces aspartic acid 374 with asparagine.
Molecular consequence: missense variant. On other transcripts: non-coding transcript variant (1).
Genome position (GRCh38, 1-based): chr11:67,231,601, G>A. VCF-style: chr11-67231601-G-A. GRCh37 (hg19) VCF-style: chr11-66999072-G-A.
Other names: short protein forms D374N.
Identifiers: ClinVar variation 4527020 (VCV004527020.1).